The following is an entry in ClinVar:

NM_178170.3(NEK8):c.974T>C (p.Leu325Pro)

Gene: NEK8 (NIMA related kinase 8; plus strand). Cytogenetic location: 17q11.2.
Variant type: single nucleotide variant.
Coding change: c.974T>C on transcript NM_178170.3 (MANE Select); coding-DNA position 974, T replaced by C.
Protein change: p.Leu325Pro; replaces leucine 325 with proline.
Molecular consequence: missense variant.
Genome position (GRCh38, 1-based): chr17:28,737,903, T>C. VCF-style: chr17-28737903-T-C. GRCh37 (hg19) VCF-style: chr17-27064921-T-C.
Other names: short protein forms L325P.
Identifiers: ClinVar variation 4822184 (VCV004822184.4).
Genomic context (GRCh38, chr17:28,737,903, plus strand): 5'-CAGCCATCCCACCACCACTGTCGTCAGTGTATGCCTGGGGTGGTGGGCTGGGCACCCCCC[T>C]GCGGCTGCCAATGCTCAACACAGAGGTGGTCCAGGTGGCAGCTGGGCGCACGCAGAAAGC-3'
Protein context (NP_835464.1, residues 315-335): YAWGGGLGTP[Leu325Pro]RLPMLNTEVV

ClinVar aggregate classification (germline): Uncertain significance (1 of 4 stars; one submission).

gnomAD v4.1: 2 of 1,613,754 alleles (0.00012%); highest among the groups gnomAD compares: Non-Finnish European, 0.00017%; no homozygotes.

Submission:

CeGaT Center for Human Genetics Tuebingen
Classification: Uncertain significance. Last evaluated: 2026-03-01. Review status: criteria provided, single submitter. Criteria: CeGaT Center For Human Genetics Tuebingen Variant Classification Criteria Version 2. Collection method: clinical testing. Allele origin: germline. Affected: yes. Observed: 1 variant allele.
Comment: NEK8: PM2